The following is an entry in ClinVar:

ClinVar aggregate classification (germline): Uncertain significance (1 of 4 stars; one submission).

Conditions:
Spastic paraplegia 18a, autosomal dominant. Identifiers: MedGen C5882694, MONDO:0957788, OMIM 620512.

gnomAD v4.1: 1 of 1,614,082 alleles (0.000062%); highest among the groups gnomAD compares: South Asian, 0.0011%; no homozygotes.

Submission:

Department of Genetics, Sultan Qaboos University Hospital
Classification: Uncertain significance for Spastic paraplegia 18a, autosomal dominant. Last evaluated: 2026-04-01. Review status: criteria provided, single submitter. Criteria: ACMG Guidelines, 2015. Collection method: clinical testing. Allele origin: germline. Affected: yes. Observed: 1 variant allele.
Comment: PP1_Strong, PP4_Supporting, PP2_Supporting, PM2_Supporting, BP4_Moderate

NM_007175.8(ERLIN2):c.932G>A (p.Ser311Asn)

Gene: ERLIN2 (ER lipid raft associated 2; plus strand). Cytogenetic location: 8p11.23.
Variant type: single nucleotide variant.
Coding change: c.932G>A on transcript NM_007175.8 (MANE Select); coding-DNA position 932, G replaced by A.
Protein change: p.Ser311Asn; replaces serine 311 with asparagine.
Molecular consequence: missense variant.
Genome position (GRCh38, 1-based): chr8:37,754,027, G>A. VCF-style: chr8-37754027-G-A. GRCh37 (hg19) VCF-style: chr8-37611545-G-A.
Other names: c.932G>A, p.Ser311Asn (NM_001362878.2); short protein forms S311N.
Identifiers: ClinVar variation 4852419 (VCV004852419.1).